The following is an entry in ClinVar:

ClinVar aggregate classification (germline): Benign/Likely benign. Review status: criteria provided, multiple submitters, no conflicts (2 of 4 stars). 4 submissions from 4 submitters: Benign (1); Likely benign (3). Last evaluated 2026-02-03.

Conditions:
Hereditary hyperekplexia. Identifiers: Orphanet 3197, MedGen C4084968, MONDO:0021022.
Hyperekplexia 1 (STHE). Also called: HYPEREKPLEXIA 1, AUTOSOMAL DOMINANT; EXAGGERATED STARTLE REACTION; STARTLE DISEASE, FAMILIAL; STIFF-BABY SYNDROME; STIFF-MAN SYNDROME, CONGENITAL; STIFF-PERSON SYNDROME, CONGENITAL. Identifiers: Orphanet 3197, MedGen C4551954, MONDO:0007868, OMIM 149400.

Allele frequency attached by ClinVar (database versions not stated): gnomAD 0.00019; 1000 Genomes Project 0.00020; ESP Exome Variant Server 0.00023; 1000 Genomes Project 30x 0.00016; TOPMed 0.00031.

Submissions (4):

Labcorp Genetics (formerly Invitae), Labcorp
Classification: Likely benign for Hereditary hyperekplexia. Last evaluated: 2026-02-03. Review status: criteria provided, single submitter. Criteria: Invitae Variant Classification Sherloc (09022015). Collection method: clinical testing. Allele origin: germline.

Women's Health and Genetics/Laboratory Corporation of America, LabCorp
Classification: Likely benign. Last evaluated: 2026-02-03. Review status: criteria provided, single submitter. Criteria: LabCorp Variant Classification Summary - May 2015. Collection method: clinical testing. Allele origin: germline.
Comment: Variant summary: GLRA1 c.1214G>A (p.Arg405Gln) results in a conservative amino acid change in the encoded protein sequence. Algorithms developed to predict the effect of missense changes on protein structure and function are either unavailable or do not agree on the potential impact of this missense change. The variant allele was found at a frequency of 0.00028 in 251396 control chromosomes, predominantly at a frequency of 0.0021 within the Ashkenazi Jewish subpopulation in the gnomAD database. The observed variant frequency within Ashkenazi Jewish control individuals in the gnomAD database exceeds the estimated maximal expected allele frequency for disease-causing variants in GLRA1. c.1214G>A has been observed in the homozygous state in two individuals of Middle Eastern ancestry who underwent WES for phenotypes that both included developmental delay and seizures, as well as other clinical features that were not shared by both individuals (Al-Shamsi_2016, Charng_2016). In both cases, variants in other genes were also identified and there was no strong evidence to support that this variant was causal. Notably, this variant also has a high frequency in the Middle Eastern subpopulation in the gnomADv4 database. For these reasons, these reports do not provide unequivocal conclusions about association of the variant with Hyperekplexia. To our knowledge, no experimental evidence demonstrating an impact on protein function has been reported. The following publications have been ascertained in the context of this evaluation (PMID: 27391121, 27435318). ClinVar contains an entry for this variant (Variation ID: 352307). Based on the evidence outlined above, the variant was classified as likely benign.

Illumina Laboratory Services, Illumina
Classification: Benign for Hyperekplexia 1. Last evaluated: 2018-01-13. Review status: criteria provided, single submitter. Criteria: ICSL Variant Classification Criteria 13 December 2019. Collection method: clinical testing. Allele origin: germline.
Comment: This variant was observed in the ICSL laboratory as part of a predisposition screen in an ostensibly healthy population. It had not been previously curated by ICSL or reported in the Human Gene Mutation Database (HGMD: prior to June 1st, 2018), and was therefore a candidate for classification through an automated scoring system. Utilizing variant allele frequency, disease prevalence and penetrance estimates, and inheritance mode, an automated score was calculated to assess if this variant is too frequent to cause the disease. Based on the score and internal cut-off values, a variant classified as benign is not then subjected to further curation. The score for this variant resulted in a classification of benign for this disease.

Breakthrough Genomics
Classification: Likely benign. Review status: criteria provided, single submitter. Criteria: ACMG Guidelines, 2015. Collection method: not provided. Allele origin: germline. Inheritance: Autosomal dominant inheritance. Affected: yes.

Literature cited by the submitters: PubMed 27391121 (cited by Women's Health and Genetics/Laboratory Corporation of America, LabCorp); PubMed 27435318 (cited by Women's Health and Genetics/Laboratory Corporation of America, LabCorp).

NM_000171.4(GLRA1):c.1214G>A (p.Arg405Gln)

Gene: GLRA1 (glycine receptor alpha 1; minus strand). Cytogenetic location: 5q33.1.
Variant type: single nucleotide variant.
Coding change: c.1214G>A on transcript NM_000171.4 (MANE Select); coding-DNA position 1214, G replaced by A.
Protein change: p.Arg405Gln; replaces arginine 405 with glutamine.
Molecular consequence: missense variant.
Genome position (GRCh38, 1-based): chr5:151,822,809, C>T on the plus strand (G>A on the coding strand, the complement: GLRA1 is on the minus strand). VCF-style: chr5-151822809-C-T. GRCh37 (hg19) VCF-style: chr5-151202370-C-T.
Other names: c.1238G>A, p.Arg413Gln (NM_001146040.2); c.965G>A, p.Arg322Gln (NM_001292000.2); short protein forms R405Q, R413Q, R322Q.
Identifiers: ClinVar variation 352307 (VCV000352307.17), dbSNP rs199561280, ClinGen allele CA3523479.